The following is an entry in ClinVar:

NM_000536.4(RAG2):c.217C>T (p.Arg73Cys)

Gene: RAG2 (recombination activating 2; minus strand). Cytogenetic location: 11p12.
Variant type: single nucleotide variant.
Coding change: c.217C>T on transcript NM_000536.4 (MANE Select); coding-DNA position 217, C replaced by T.
Protein change: p.Arg73Cys; replaces arginine 73 with cysteine.
Molecular consequence: missense variant.
Genome position (GRCh38, 1-based): chr11:36,593,952, G>A on the plus strand (C>T on the coding strand, the complement: RAG2 is on the minus strand). VCF-style: chr11-36593952-G-A. GRCh37 (hg19) VCF-style: chr11-36615502-G-A.
Other names: NM_000536.4(RAG2):c.217C>T; c.217C>T, p.Arg73Cys (NM_001243785.2, NM_001243786.2); short protein forms R73C.
Identifiers: ClinVar variation 36719 (VCV000036719.20), dbSNP rs193922574, ClinGen allele CA214218.

ClinVar aggregate classification (germline): Likely pathogenic. Review status: reviewed by expert panel (3 of 4 stars). 8 submissions from 8 submitters: Likely pathogenic (1). 7 of the submissions do not count toward it. Last evaluated 2023-11-14.

Conditions:
RAG2-related disorder. Also called: RAG2-related condition.
Recombinase activating gene 2 deficiency. Also called: RAG2 deficiency. Identifiers: MedGen CN257931, MONDO:0000573.
Severe combined immunodeficiency, autosomal recessive, T cell-negative, B cell-negative, NK cell-positive. Also called: Severe combined immunodeficiency due to complete RAG1/2 deficiency; SCID, AR, T-cell negative, B-cell negative, NK cell-positive; SCID, T CELL-NEGATIVE, B CELL-NEGATIVE, NK CELL-POSITIVE. Identifiers: Orphanet 331206, MedGen C1832322, MONDO:0011086, OMIM 601457.
Combined immunodeficiency with skin granulomas. Identifiers: Orphanet 157949, MedGen C2673536, MONDO:0009306, OMIM 233650.
Histiocytic medullary reticulosis. Also called: Omenn syndrome; SEVERE COMBINED IMMUNODEFICIENCY WITH HYPEREOSINOPHILIA. Identifiers: Orphanet 39041, MedGen C2700553, MONDO:0011338, OMIM 603554.
Severe combined immunodeficiency disease. Also called: Severe Combined Immune Deficiency; Severe combined immunodeficiency. Identifiers: Orphanet 183660, MedGen C0085110, MeSH D016511, MONDO:0015974, HP:0004430. Inheritance: X-Linked or Autosomal recessive.

Allele frequency attached by ClinVar (database versions not stated): ExAC 0.00002; gnomAD exomes 0.00002; gnomAD 0.00003; TOPMed 0.00004.
gnomAD v4.1: 63 of 1,614,096 alleles (0.0039%); highest among the groups gnomAD compares: Non-Finnish European, 0.0049%; no homozygotes.

Submissions (8):

ClinGen Severe Combined Immunodeficiency Variant Curation Expert Panel, ClinGen
Classification: Likely pathogenic for Recombinase activating gene 2 deficiency. Last evaluated: 2023-11-14. Review status: reviewed by expert panel. Criteria: ClinGen SCID ACMG Specifications RAG2 V1.0.0. Collection method: curation. Allele origin: germline. Inheritance: Autosomal recessive inheritance.
Comment: The c.217C>T (NM_000536.4) variant in RAG2 is a missense variant predicted to cause substitution of Arginine by Cysteine at amino acid 73 (p.Arg73Cys). The filtering allele frequency (the upper threshold of the 95% CI of 2/16256) of the c.217C>T variant in RAG2 is 0.00002132 for African/African American chromosomes by gnomAD v2.1.1 (no homozygous reported), which is lower than the ClinGen SCID VCEP threshold (<0.0000588) for PM2_Supporting, and therefore meets this criterion (PM2_Supporting). This variant resides within a region, amino acids 1-383, of RAG2 that is defined as a critical functional domain by the ClinGen SCID VCEP (PMID: 26996199) (PM1_Supporting). PMID: 24481607: Proband compound heterozygous (comp het ( R73C/C178X, Pathogenic according to SCID VCEP specifications, 1 pt, PM3_met). NM_000536.4(RAG2):c.218G>A (p.Arg73His), LP according to SCID VCEP specifications, PM5_Supporting. At least one patient with this variant displayed: Diagnostic criteria for SCID/Leaky SCID/Omenn syndrome met (0.5pt) and T-B-NK+ lymphocyte subset profile (0.5pt), totalizing 1 pt, which is highly specific for SCID (PP4, PMID: 20603253). In summary, this variant is classified as Likely Pathogenic for AR SCID. ACMG/AMP criteria applied, as specified by the ClinGen SCID VCEP: PP4, PM1_Supporting, PM3, PM5_Supporting, and PM2_Supporting. (VCEP specifications version 1).

PreventionGenetics, part of Exact Sciences
Classification: Likely pathogenic for RAG2-related condition. Last evaluated: 2026-08-31. Review status: criteria provided, single submitter. Criteria: ACMG Guidelines, 2015. Collection method: clinical testing. Allele origin: germline. Not counted in ClinVar's aggregate classification.
Comment: The RAG2 c.217C>T variant is predicted to result in the amino acid substitution p.Arg73Cys. This variant has been reported in the compound heterozygous state in individual with severe combined immunodeficiency (Adeli et al. 2010. PubMed ID: 20603253; Pasic et al. 2014. PubMed ID: 24481607). This variant is reported in 0.012% of alleles in individuals of African descent in gnomAD. This variant is interpreted as likely pathogenic.

Labcorp Genetics (formerly Invitae), Labcorp
Classification: Pathogenic for Combined immunodeficiency with skin granulomas; Severe combined immunodeficiency, autosomal recessive, T cell-negative, B cell-negative, NK cell-positive. Last evaluated: 2025-12-22. Review status: criteria provided, single submitter. Criteria: Invitae Variant Classification Sherloc (09022015). Collection method: clinical testing. Allele origin: germline. Not counted in ClinVar's aggregate classification.
Comment: This sequence change replaces arginine, which is basic and polar, with cysteine, which is neutral and slightly polar, at codon 73 of the RAG2 protein (p.Arg73Cys). This variant is present in population databases (rs193922574, gnomAD 0.01%). This missense change has been observed in individuals with severe combined immunodeficiency (SCID) (PMID: 20603253, 24481607, 26476733; internal data). This variant is also known as c.811C>T. ClinVar contains an entry for this variant (Variation ID: 36719). Invitae Evidence Modeling of protein sequence and biophysical properties (such as structural, functional, and spatial information, amino acid conservation, physicochemical variation, residue mobility, and thermodynamic stability) indicates that this missense variant is expected to disrupt RAG2 protein function with a positive predictive value of 95%. This variant disrupts the p.Arg73 amino acid residue in RAG2. Other variant(s) that disrupt this residue have been observed in individuals with RAG2-related conditions (PMID: 21131235, 26515615, 28747913), which suggests that this may be a clinically significant amino acid residue. For these reasons, this variant has been classified as Pathogenic.

Natera, Inc.
Classification: Likely pathogenic for Omenn syndrome. Last evaluated: 2025-09-01. Review status: criteria provided, single submitter. Criteria: Natera Variant Classification Schema (03/2026). Collection method: clinical testing. Allele origin: germline. Not counted in ClinVar's aggregate classification.
Comment: The c.217C>T variant in RAG2 is a missense variant predicted to cause substitution of arginine to cysteine at amino acid 73. This variant is rare in the general population with a frequency below the threshold expected for the associated phenotype(s). This variant has been observed in one or more individuals affected with the associated recessive disease, as either homozygous or compound heterozygous with a second variant (PMID: 26476733, 20603253, 24481607). A different variant at the same position has been determined to be Pathogenic or Likely Pathogenic. Computational prediction algorithms indicate this variant is likely to affect gene or protein function. Given the available evidence, this variant is classified as Likely Pathogenic.

Fulgent Genetics
Classification: Likely pathogenic for Combined immunodeficiency with skin granulomas; Severe combined immunodeficiency, autosomal recessive, T cell-negative, B cell-negative, NK cell-positive; Histiocytic medullary reticulosis. Last evaluated: 2024-04-06. Review status: criteria provided, single submitter. Criteria: ACMG Guidelines, 2015. Collection method: clinical testing. Allele origin: germline. Not counted in ClinVar's aggregate classification.

Baylor Genetics
Classification: Likely pathogenic for Combined immunodeficiency with skin granulomas. Last evaluated: 2024-03-15. Review status: criteria provided, single submitter. Criteria: ACMG Guidelines, 2015. Collection method: clinical testing. Allele origin: unknown. Not counted in ClinVar's aggregate classification.

Intergen Genetics and Rare Diseases Diagnosis Center
Classification: Pathogenic for Recombinase activating gene 2 deficiency. Last evaluated: 2023-08-31. Review status: criteria provided, single submitter. Criteria: ACMG Guidelines, 2015. Collection method: clinical testing. Allele origin: unknown. Inheritance: Autosomal recessive inheritance. Observed: 1 heterozygote. Not counted in ClinVar's aggregate classification.

Women's Health and Genetics/Laboratory Corporation of America, LabCorp
Classification: Likely pathogenic for Severe combined immunodeficiency disease. Last evaluated: 2021-06-03. Review status: criteria provided, single submitter. Criteria: LabCorp Variant Classification Summary - May 2015. Collection method: clinical testing. Allele origin: germline. Not counted in ClinVar's aggregate classification.
Comment: Variant summary: RAG2 c.217C>T (p.Arg73Cys) results in a non-conservative amino acid change in the encoded protein sequence. Five of five in-silico tools predict a damaging effect of the variant on protein function. The variant allele was found at a frequency of 2.4e-05 in 251454 control chromosomes. c.217C>T has been reported in the literature in individuals affected with Severe Combined Immunodeficiency Syndrome (e.g. Adeli_2010, Pasic_2014, Dvorak_2014, Bai_2016). These data indicate that the variant is likely to be associated with disease. To our knowledge, no experimental evidence demonstrating an impact on protein function has been reported. One other clinical diagnostic laboratory has submitted clinical-significance assessments for this variant to ClinVar after 2014, citing the variant as likely pathogenic. Based on the evidence outlined above, the variant was classified as likely pathogenic.

Literature cited by the submitters: PubMed 20603253 (cited by 3 submitters); PubMed 24481607 (cited by 3 submitters); PubMed 26476733 (cited by 3 submitters); PubMed 21131235 (cited by Labcorp Genetics (formerly Invitae), Labcorp); PubMed 26515615 (cited by Labcorp Genetics (formerly Invitae), Labcorp); PubMed 28747913 (cited by Labcorp Genetics (formerly Invitae), Labcorp); PubMed 25333069 (cited by Women's Health and Genetics/Laboratory Corporation of America, LabCorp); PubMed 25109802 (cited by Women's Health and Genetics/Laboratory Corporation of America, LabCorp).